The following is an entry in ClinVar:

NM_015559.3(SETBP1):c.1576T>A (p.Phe526Ile)

Gene: SETBP1 (SET binding protein 1; plus strand). Cytogenetic location: 18q12.3.
Variant type: single nucleotide variant.
Coding change: c.1576T>A on transcript NM_015559.3 (MANE Select); coding-DNA position 1576, T replaced by A.
Protein change: p.Phe526Ile; replaces phenylalanine 526 with isoleucine.
Molecular consequence: missense variant.
Genome position (GRCh38, 1-based): chr18:44,950,916, T>A. VCF-style: chr18-44950916-T-A. GRCh37 (hg19) VCF-style: chr18-42530881-T-A.
Other names: c.1576T>A, p.Phe526Ile (NM_001379141.1, NM_001379142.1, NM_001410862.1); short protein forms F526I.
Identifiers: ClinVar variation 4746651 (VCV004746651.1).

ClinVar aggregate classification (germline): Uncertain significance (1 of 4 stars; one submission).

Submission:

Labcorp Genetics (formerly Invitae), Labcorp
Classification: Uncertain significance. Last evaluated: 2025-08-11. Review status: criteria provided, single submitter. Criteria: Invitae Variant Classification Sherloc (09022015). Collection method: clinical testing. Allele origin: germline.
Comment: This sequence change replaces phenylalanine, which is neutral and non-polar, with isoleucine, which is neutral and non-polar, at codon 526 of the SETBP1 protein (p.Phe526Ile). This variant is not present in population databases (gnomAD no frequency). This variant has not been reported in the literature in individuals affected with SETBP1-related conditions. Invitae Evidence Modeling of protein sequence and biophysical properties (such as structural, functional, and spatial information, amino acid conservation, physicochemical variation, residue mobility, and thermodynamic stability) indicates that this missense variant is not expected to disrupt SETBP1 protein function with a negative predictive value of 80%. In summary, the available evidence is currently insufficient to determine the role of this variant in disease. Therefore, it has been classified as a Variant of Uncertain Significance.